The following is an entry in ClinVar:

NM_017534.6(MYH2):c.2705A>G (p.Glu902Gly)

Genes: MYH2 (myosin heavy chain 2; minus strand), MYHAS (myosin heavy chain gene cluster antisense RNA; plus strand). Cytogenetic location: 17p13.1.
Variant type: single nucleotide variant.
Coding change: c.2705A>G on transcript NM_017534.6 (MANE Select); coding-DNA position 2705, A replaced by G.
Protein change: p.Glu902Gly; replaces glutamic acid 902 with glycine.
Molecular consequence: missense variant.
Genome position (GRCh38, 1-based): chr17:10,530,067, T>C on the plus strand (A>G on the coding strand, the complement: MYH2 is on the minus strand). VCF-style: chr17-10530067-T-C. GRCh37 (hg19) VCF-style: chr17-10433384-T-C.
Other names: c.2705A>G, p.Glu902Gly (NM_001100112.2); short protein forms E902G.
Identifiers: ClinVar variation 1447883 (VCV001447883.6), dbSNP rs2142301095, ClinGen allele CA398143525.

ClinVar aggregate classification (germline): Uncertain significance (1 of 4 stars; one submission).

Conditions:
Myopathy, proximal, and ophthalmoplegia (CMYO6). Also called: MYOPATHY WITH CONGENITAL JOINT CONTRACTURES, OPHTHALMOPLEGIA, AND RIMMED VACUOLES; INCLUSION BODY MYOPATHY 3, AUTOSOMAL DOMINANT; CONGENITAL MYOPATHY 6 WITH OPHTHALMOPLEGIA. Identifiers: Orphanet 363677, Orphanet 79091, MedGen C1854106, MONDO:0011577, OMIM 605637.

Submission:

Labcorp Genetics (formerly Invitae), Labcorp
Classification: Uncertain significance for Myopathy, proximal, and ophthalmoplegia. Last evaluated: 2025-11-28. Review status: criteria provided, single submitter. Criteria: Invitae Variant Classification Sherloc (09022015). Collection method: clinical testing. Allele origin: germline.
Comment: This sequence change replaces glutamic acid, which is acidic and polar, with glycine, which is neutral and non-polar, at codon 902 of the MYH2 protein (p.Glu902Gly). This variant is not present in population databases (gnomAD no frequency). This variant has not been reported in the literature in individuals affected with MYH2-related conditions. ClinVar contains an entry for this variant (Variation ID: 1447883). Invitae Evidence Modeling of protein sequence and biophysical properties (such as structural, functional, and spatial information, amino acid conservation, physicochemical variation, residue mobility, and thermodynamic stability) indicates that this missense variant is not expected to disrupt MYH2 protein function with a negative predictive value of 80%. In summary, the available evidence is currently insufficient to determine the role of this variant in disease. Therefore, it has been classified as a Variant of Uncertain Significance.